The following is an entry in ClinVar:

NM_021619.3(PRDM12):c.736G>C (p.Val246Leu)

Gene: PRDM12 (PR/SET domain 12; plus strand). Cytogenetic location: 9q34.12.
Variant type: single nucleotide variant.
Coding change: c.736G>C on transcript NM_021619.3 (MANE Select); coding-DNA position 736, G replaced by C.
Protein change: p.Val246Leu; replaces valine 246 with leucine.
Molecular consequence: missense variant.
Genome position (GRCh38, 1-based): chr9:130,681,301, G>C. VCF-style: chr9-130681301-G-C. GRCh37 (hg19) VCF-style: chr9-133556688-G-C.
Other names: short protein forms V246L.
Identifiers: ClinVar variation 3902672 (VCV003902672.1).

ClinVar aggregate classification (germline): Uncertain significance (1 of 4 stars; one submission).

gnomAD v4.1: 9 of 1,525,842 alleles (0.00059%); highest among the groups gnomAD compares: Admixed American, 0.016%; no homozygotes.

Submission:

Women's Health and Genetics/Laboratory Corporation of America, LabCorp
Classification: Uncertain significance. Last evaluated: 2025-05-27. Review status: criteria provided, single submitter. Criteria: LabCorp Variant Classification Summary - May 2015. Collection method: clinical testing. Allele origin: germline.
Comment: Variant summary: PRDM12 c.736G>C (p.Val246Leu) results in a conservative amino acid change located in the first C2H2-type zinc finger domain (IPR013087) of the encoded protein sequence. Algorithms developed to predict the effect of missense changes on protein structure and function are either unavailable or do not agree on the potential impact of this missense change. The variant allele was found at a frequency of 4.2e-05 in 191564 control chromosomes. The available data on variant occurrences in the general population are insufficient to allow any conclusion about variant significance. To our knowledge, no occurrence of c.736G>C in individuals affected with Congenital insensitivity to pain-hypohidrosis syndrome and no experimental evidence demonstrating its impact on protein function have been reported. No submitters have cited clinical-significance assessments for this variant to ClinVar. Based on the evidence outlined above, the variant was classified as uncertain significance.